The following is an entry in ClinVar:

NM_000256.3(MYBPC3):c.2693C>T (p.Ala898Val)

Gene: MYBPC3 (myosin binding protein C3; minus strand). Cytogenetic location: 11p11.2.
Variant type: single nucleotide variant.
Coding change: c.2693C>T on transcript NM_000256.3 (MANE Select); coding-DNA position 2693, C replaced by T.
Protein change: p.Ala898Val; replaces alanine 898 with valine.
Molecular consequence: missense variant.
Genome position (GRCh38, 1-based): chr11:47,335,921, G>A on the plus strand (C>T on the coding strand, the complement: MYBPC3 is on the minus strand). VCF-style: chr11-47335921-G-A. GRCh37 (hg19) VCF-style: chr11-47357472-G-A.
Other names: c.2693C>T, p.Ala898Val (LRG_386t1); short protein forms A898V.
Identifiers: ClinVar variation 649420 (VCV000649420.11), dbSNP rs752354801, ClinGen allele CA078911.

ClinVar aggregate classification (germline): Uncertain significance. Review status: criteria provided, multiple submitters, no conflicts (2 of 4 stars). 2 submissions from 2 submitters: Uncertain significance (2). Last evaluated 2025-05-27.

Conditions:
Cardiomyopathy (CMYO). Also called: Cardiomyopathies. Identifiers: Orphanet 167848, MedGen C0878544, MONDO:0004994, HP:0001638. Inheritance: Various modes of inheritance.
Hypertrophic cardiomyopathy. Also called: HYPERTROPHIC MYOCARDIOPATHY. Identifiers: Orphanet 217569, MedGen C0007194, MeSH D002312, MONDO:0005045, HP:0001639.

Allele frequency attached by ClinVar (database versions not stated): gnomAD exomes 0.00001; ExAC 0.00005.
gnomAD v4.1: 20 of 1,547,710 alleles (0.0013%); highest among the groups gnomAD compares: Non-Finnish European, 0.0017%; no homozygotes.

Submissions (2):

Color Diagnostics, LLC DBA Color Health
Classification: Uncertain significance for Cardiomyopathy. Last evaluated: 2025-05-27. Review status: criteria provided, single submitter. Criteria: ACMG Guidelines, 2015. Collection method: clinical testing. Allele origin: germline.
Comment: This missense variant replaces alanine with valine at codon 898 of the MYBPC3 protein. Computational prediction suggests that this variant may not impact protein structure and function. To our knowledge, functional studies have not been reported for this variant. This variant has not been reported in individuals affected with MYBPC3-related disorders in the literature. This variant has not been identified in the general population by the Genome Aggregation Database (gnomAD). The available evidence is insufficient to determine the role of this variant in disease conclusively. Therefore, this variant is classified as a Variant of Uncertain Significance.

Labcorp Genetics (formerly Invitae), Labcorp
Classification: Uncertain significance for Hypertrophic cardiomyopathy. Last evaluated: 2024-04-15. Review status: criteria provided, single submitter. Criteria: Invitae Variant Classification Sherloc (09022015). Collection method: clinical testing. Allele origin: germline.
Comment: This sequence change replaces alanine, which is neutral and non-polar, with valine, which is neutral and non-polar, at codon 898 of the MYBPC3 protein (p.Ala898Val). The frequency data for this variant in the population databases is considered unreliable, as metrics indicate poor data quality at this position in the gnomAD database. This variant has not been reported in the literature in individuals affected with MYBPC3-related conditions. ClinVar contains an entry for this variant (Variation ID: 649420). An algorithm developed to predict the effect of missense changes on protein structure and function (PolyPhen-2) suggests that this variant is likely to be disruptive. In summary, the available evidence is currently insufficient to determine the role of this variant in disease. Therefore, it has been classified as a Variant of Uncertain Significance.